The following is an entry in ClinVar:

NM_004385.5(VCAN):c.8026G>T (p.Ala2676Ser)

Genes: VCAN (versican; plus strand), VCAN-AS1 (VCAN antisense RNA 1; minus strand). Cytogenetic location: 5q14.3.
Variant type: single nucleotide variant.
Coding change: c.8026G>T on transcript NM_004385.5 (MANE Select); coding-DNA position 8026, G replaced by T.
Protein change: p.Ala2676Ser; replaces alanine 2676 with serine.
Molecular consequence: missense variant. On other transcripts: intron variant (2).
Genome position (GRCh38, 1-based): chr5:83,541,029, G>T. VCF-style: chr5-83541029-G-T. GRCh37 (hg19) VCF-style: chr5-82836848-G-T.
Other names: c.5065G>T, p.Ala1689Ser (NM_001164097.2); c.4004-4508G>T (NM_001164098.2); c.1043-4508G>T (NM_001126336.3); short protein forms A1689S, A2676S.
Identifiers: ClinVar variation 4772597 (VCV004772597.1).

ClinVar aggregate classification (germline): Uncertain significance (1 of 4 stars; one submission).

gnomAD v4.1: 5 of 1,613,868 alleles (0.00031%); highest among the groups gnomAD compares: African/African-American, 0.0067%; no homozygotes.

Submission:

Labcorp Genetics (formerly Invitae), Labcorp
Classification: Uncertain significance. Last evaluated: 2025-10-24. Review status: criteria provided, single submitter. Criteria: Invitae Variant Classification Sherloc (09022015). Collection method: clinical testing. Allele origin: germline.
Comment: This sequence change replaces alanine, which is neutral and non-polar, with serine, which is neutral and polar, at codon 2676 of the VCAN protein (p.Ala2676Ser). This variant is present in population databases (no rsID available, gnomAD 0.007%). This variant has not been reported in the literature in individuals affected with VCAN-related conditions. An algorithm developed to predict the effect of missense changes on protein structure and function (PolyPhen-2) suggests that this variant is likely to be tolerated. In summary, the available evidence is currently insufficient to determine the role of this variant in disease. Therefore, it has been classified as a Variant of Uncertain Significance.